The following is an entry in ClinVar:

NM_020433.5(JPH2):c.1066C>T (p.Gln356Ter)

Gene: JPH2 (junctophilin 2; minus strand). Cytogenetic location: 20q13.12.
Variant type: single nucleotide variant.
Coding change: c.1066C>T on transcript NM_020433.5 (MANE Select); coding-DNA position 1066, C replaced by T.
Protein change: p.Gln356Ter; replaces glutamine 356 with a stop codon.
Molecular consequence: nonsense.
Genome position (GRCh38, 1-based): chr20:44,159,721, G>A on the plus strand (C>T on the coding strand, the complement: JPH2 is on the minus strand). VCF-style: chr20-44159721-G-A. GRCh37 (hg19) VCF-style: chr20-42788361-G-A.
Other names: short protein forms Q356*.
Identifiers: ClinVar variation 2566240 (VCV002566240.2), dbSNP rs2072591553, ClinGen allele CA409093059.

ClinVar aggregate classification (germline): Uncertain significance (1 of 4 stars; one submission).

Conditions:
Cardiovascular phenotype. Identifiers: MedGen CN230736.

Allele frequency attached by ClinVar (database versions not stated): TOPMed 0.00002.

Submission:

Ambry Genetics
Classification: Uncertain significance for Cardiovascular phenotype. Last evaluated: 2023-06-12. Review status: criteria provided, single submitter. Criteria: Ambry Variant Classification Scheme 2023. Collection method: clinical testing. Allele origin: germline.
Comment: The p.Q356* variant (also known as c.1066C>T), located in coding exon 2 of the JPH2 gene, results from a C to T substitution at nucleotide position 1066. This changes the amino acid from a glutamine to a stop codon within coding exon 2. This alteration is expected to result in loss of function by premature protein truncation or nonsense-mediated mRNA decay. Although biallelic loss of function alterations in JPH2 have been associated with autosomal recessive dilated cardiomyopathy, haploinsufficiency for JPH2 has not been clearly established as a mechanism of disease for autosomal dominant hypertrophic cardiomyopathy. Based on the supporting evidence, this variant is expected to be causative of autosomal recessive dilated cardiomyopathy when present along with a second pathogenic variant on the other allele; however, its clinical significance for autosomal dominant hypertrophic cardiomyopathy is unclear.